The following is an entry in ClinVar:

NM_000108.5(DLD):c.1065T>G (p.Asp355Glu)

Gene: DLD (dihydrolipoamide dehydrogenase; plus strand). Cytogenetic location: 7q31.1.
Variant type: single nucleotide variant.
Coding change: c.1065T>G on transcript NM_000108.5 (MANE Select); coding-DNA position 1065, T replaced by G.
Protein change: p.Asp355Glu; replaces aspartic acid 355 with glutamic acid.
Molecular consequence: missense variant.
Genome position (GRCh38, 1-based): chr7:107,917,291, T>G. VCF-style: chr7-107917291-T-G. GRCh37 (hg19) VCF-style: chr7-107557736-T-G.
Other names: c.768T>G, p.Asp256Glu (NM_001289750.1); c.996T>G, p.Asp332Glu (NM_001289751.1); c.921T>G, p.Asp307Glu (NM_001289752.1); short protein forms D256E, D307E, D332E, D355E.
Identifiers: ClinVar variation 1716187 (VCV001716187.3), dbSNP rs2535602207, ClinGen allele CA368858061.
Genomic context (GRCh38, chr7:107,917,291, plus strand): 5'-GATTTCAGAAATTCATTGTGTTTCTTTTGATTTCTGTGGTAGTATCTATGCCATTGGTGA[T>G]GTAGTTGCTGGTCCAATGCTGGCTCACAAAGCAGAGGATGAAGGCATTATCTGTGTTGAA-3'
Protein context (NP_000099.2, residues 345-365): TKIPNIYAIG[Asp355Glu]VVAGPMLAHK

ClinVar aggregate classification (germline): Uncertain significance (1 of 4 stars; one submission).

Conditions:
Pyruvate dehydrogenase E3 deficiency (DLDD). Also called: Lipoamide dehydrogenase deficiency, lactic acidosis due to; MAPLE SYRUP URINE DISEASE, TYPE III; Dihydrolipoamide Dehydrogenase (E3) Deficiency; Lipoamide dehydrogenase deficiency; Dihydrolipoamide Dehydrogenase E3 Deficiency; DLD DEFICIENCY. Identifiers: Orphanet 2394, Orphanet 765, MedGen C5574660, MONDO:0009529, OMIM 246900.

Submission:

Labcorp Genetics (formerly Invitae), Labcorp
Classification: Uncertain significance for Pyruvate dehydrogenase E3 deficiency. Last evaluated: 2022-08-12. Review status: criteria provided, single submitter. Criteria: Invitae Variant Classification Sherloc (09022015). Collection method: clinical testing. Allele origin: germline.
Comment: This sequence change replaces aspartic acid, which is acidic and polar, with glutamic acid, which is acidic and polar, at codon 355 of the DLD protein (p.Asp355Glu). This variant is not present in population databases (gnomAD no frequency). This variant has not been reported in the literature in individuals affected with DLD-related conditions. Algorithms developed to predict the effect of missense changes on protein structure and function (SIFT, PolyPhen-2, Align-GVGD) all suggest that this variant is likely to be disruptive. Algorithms developed to predict the effect of sequence changes on RNA splicing suggest that this variant may disrupt the consensus splice site. In summary, the available evidence is currently insufficient to determine the role of this variant in disease. Therefore, it has been classified as a Variant of Uncertain Significance.